The following is an entry in ClinVar:

NM_024642.5(GALNT12):c.449C>T (p.Ser150Leu)

Gene: GALNT12 (polypeptide N-acetylgalactosaminyltransferase 12; plus strand). Cytogenetic location: 9q22.33.
Variant type: single nucleotide variant.
Coding change: c.449C>T on transcript NM_024642.5 (MANE Select); coding-DNA position 449, C replaced by T.
Protein change: p.Ser150Leu; replaces serine 150 with leucine.
Molecular consequence: missense variant.
Genome position (GRCh38, 1-based): chr9:98,823,333, C>T. VCF-style: chr9-98823333-C-T. GRCh37 (hg19) VCF-style: chr9-101585615-C-T.
Other names: short protein forms S150L.
Identifiers: ClinVar variation 3518497 (VCV003518497.1).
Genomic context (GRCh38, chr9:98,823,333, plus strand): 5'-ATGATTATGATAATTTGCCCAGGACATCTGTTATCATAGCATTTTATAATGAAGCCTGGT[C>T]AACTCTCCTTCGGACAGTTTACAGTGTCCTTGAGACATCCCCGGATATCCTGCTAGAAGA-3'
Protein context (NP_078918.3, residues 140-160): VIIAFYNEAW[Ser150Leu]TLLRTVYSVL

ClinVar aggregate classification (germline): Uncertain significance (1 of 4 stars; one submission).

Submission:

Ambry Genetics
Classification: Uncertain significance. Last evaluated: 2024-08-30. Review status: criteria provided, single submitter. Criteria: Ambry Variant Classification Scheme 2023. Collection method: clinical testing. Allele origin: germline.
Comment: The p.S150L variant (also known as c.449C>T), located in coding exon 2 of the GALNT12 gene, results from a C to T substitution at nucleotide position 449. The serine at codon 150 is replaced by leucine, an amino acid with dissimilar properties. This amino acid position is conserved. In addition, this alteration is predicted to be deleterious by in silico analysis. Based on the available evidence, the clinical significance of this variant remains unclear.